The following is an entry in ClinVar:

NM_004168.4(SDHA):c.188A>T (p.Asp63Val)

Gene: SDHA (succinate dehydrogenase complex flavoprotein subunit A; plus strand). Cytogenetic location: 5p15.33.
Variant type: single nucleotide variant.
Coding change: c.188A>T on transcript NM_004168.4 (MANE Select); coding-DNA position 188, A replaced by T.
Protein change: p.Asp63Val; replaces aspartic acid 63 with valine.
Molecular consequence: missense variant.
Genome position (GRCh38, 1-based): chr5:224,397, A>T. VCF-style: chr5-224397-A-T. GRCh37 (hg19) VCF-style: chr5-224512-A-T.
Other names: c.188A>T (NM_004168.2); c.188A>T, p.Asp63Val (NM_001294332.2, NM_001330758.2); short protein forms D63V.
Identifiers: ClinVar variation 472366 (VCV000472366.13), dbSNP rs1553997327, ClinGen allele CA359008452.

ClinVar aggregate classification (germline): Uncertain significance. Review status: criteria provided, multiple submitters, no conflicts (2 of 4 stars). 2 submissions from 2 submitters: Uncertain significance (2). Last evaluated 2026-01-28.

Conditions:
Mitochondrial complex II deficiency, nuclear type 1. Also called: SUCCINATE CoQ REDUCTASE DEFICIENCY. Identifiers: Orphanet 3208, MedGen C5700310, MONDO:0100294, OMIM 252011.
Pheochromocytoma/paraganglioma syndrome 5. Also called: Paragangliomas 5; SDHA-Related Hereditary Paraganglioma-Pheochromocytoma Syndrome. Identifiers: Orphanet 29072, MedGen C3279992, MONDO:0013602, OMIM 614165.
Hereditary cancer-predisposing syndrome. Also called: Neoplastic Syndromes, Hereditary; Hereditary Cancer Syndrome; Hereditary neoplastic syndrome; Tumor predisposition. Identifiers: Orphanet 140162, MedGen C0027672, MeSH D009386, MONDO:0015356.

Submissions (2):

Ambry Genetics
Classification: Uncertain significance for Hereditary cancer-predisposing syndrome. Last evaluated: 2026-01-28. Review status: criteria provided, single submitter. Criteria: Ambry Variant Classification Scheme 2023. Collection method: clinical testing. Allele origin: germline.
Comment: The p.D63V variant (also known as c.188A>T), located in coding exon 3 of the SDHA gene, results from an A to T substitution at nucleotide position 188. The aspartic acid at codon 63 is replaced by valine, an amino acid with highly dissimilar properties. This amino acid position is highly conserved in available vertebrate species. In addition, this alteration is predicted to be deleterious by in silico analysis. Based on the available evidence, the clinical significance of this variant remains unclear.

Labcorp Genetics (formerly Invitae), Labcorp
Classification: Uncertain significance for Pheochromocytoma/paraganglioma syndrome 5; Mitochondrial complex II deficiency, nuclear type 1. Last evaluated: 2018-08-04. Review status: criteria provided, single submitter. Criteria: Invitae Variant Classification Sherloc (09022015). Collection method: clinical testing. Allele origin: germline.
Comment: Algorithms developed to predict the effect of missense changes on protein structure and function (SIFT, PolyPhen-2, Align-GVGD) all suggest that this variant is likely to be disruptive, but these predictions have not been confirmed by published functional studies and their clinical significance is uncertain. In summary, the available evidence is currently insufficient to determine the role of this variant in disease. Therefore, it has been classified as a Variant of Uncertain Significance. This variant has not been reported in the literature in individuals with SDHA-related disease. This variant is not present in population databases (ExAC no frequency). This sequence change replaces aspartic acid with valine at codon 63 of the SDHA protein (p.Asp63Val). The aspartic acid residue is highly conserved and there is a large physicochemical difference between aspartic acid and valine.